The following is an entry in ClinVar:

NM_002098.6(GUCA1B):c.123del (p.Glu41fs)

Gene: GUCA1B (guanylate cyclase activator 1B; minus strand). Cytogenetic location: 6p21.1.
Variant type: Deletion.
Coding change: c.123del on transcript NM_002098.6 (MANE Select); coding-DNA position 123, one base deleted (G; older notation c.123delG).
Protein change: p.Glu41fs; shifts the reading frame from glutamic acid 41.
Molecular consequence: frameshift variant.
Genome position (GRCh38, 1-based): chr6:42,194,698, C deleted on the plus strand (G on the coding strand, the reverse complement: GUCA1B is on the minus strand). VCF-style (leftmost placement, unchanged base first): chr6-42194697-AC-A. GRCh37 (hg19) VCF-style: chr6-42162435-AC-A.
Other names: short protein forms E41fs.
Identifiers: ClinVar variation 1525925 (VCV001525925.6), dbSNP rs1275884494, ClinGen allele CA567149201.
Genomic context (GRCh38, chr6:42,194,697, plus strand): 5'-ACATGCCCTCTACATACTGGGAGGCCTCCTCATCGTCTGTGACCTTGAAGAAGCGCTTAA[AC>A]TCATGCATAAAGAGTGTGCCGCTGGGGCACTCCATCACAAACTTCTTGTACCACTCCTGG-3'

ClinVar aggregate classification (germline): Uncertain significance (1 of 4 stars; one submission).

Allele frequency attached by ClinVar (database versions not stated): gnomAD 0.00001; gnomAD exomes 0.00001 and 0.00002.

Submission:

Labcorp Genetics (formerly Invitae), Labcorp
Classification: Uncertain significance. Last evaluated: 2021-04-25. Review status: criteria provided, single submitter. Criteria: Invitae Variant Classification Sherloc (09022015). Collection method: clinical testing. Allele origin: germline.
Comment: In summary, the available evidence is currently insufficient to determine the role of this variant in disease. Therefore, it has been classified as a Variant of Uncertain Significance. This variant has not been reported in the literature in individuals with GUCA1B-related conditions. This variant is not present in population databases (ExAC no frequency). This sequence change creates a premature translational stop signal (p.Glu41Aspfs*18) in the GUCA1B gene. It is expected to result in an absent or disrupted protein product. However, the current clinical and genetic evidence is not sufficient to establish whether loss-of-function variants in GUCA1B cause disease.